The following is an entry in ClinVar:

NM_006269.2(RP1):c.6421A>G (p.Ile2141Val)

Gene: RP1 (RP1 axonemal microtubule associated; plus strand). Cytogenetic location: 8q12.1.
Variant type: single nucleotide variant.
Coding change: c.6421A>G on transcript NM_006269.2 (MANE Select); coding-DNA position 6421, A replaced by G.
Protein change: p.Ile2141Val; replaces isoleucine 2141 with valine.
Molecular consequence: missense variant. On other transcripts: intron variant (1).
Genome position (GRCh38, 1-based): chr8:54,630,303, A>G. VCF-style: chr8-54630303-A-G. GRCh37 (hg19) VCF-style: chr8-55542863-A-G.
Other names: c.787+8015A>G (NM_001375654.1); short protein forms I2141V.
Identifiers: ClinVar variation 1411329 (VCV001411329.8), dbSNP rs907744519, ClinGen allele CA177185041.

ClinVar aggregate classification (germline): Uncertain significance (1 of 4 stars; one submission).

Allele frequency attached by ClinVar (database versions not stated): TOPMed below 0.00001.
gnomAD v4.1: 1 of 1,613,764 alleles (0.000062%); highest among the groups gnomAD compares: South Asian, 0.0011%; no homozygotes.

Submission:

Labcorp Genetics (formerly Invitae), Labcorp
Classification: Uncertain significance. Last evaluated: 2021-02-22. Review status: criteria provided, single submitter. Criteria: Invitae Variant Classification Sherloc (09022015). Collection method: clinical testing. Allele origin: germline.
Comment: In summary, the available evidence is currently insufficient to determine the role of this variant in disease. Therefore, it has been classified as a Variant of Uncertain Significance. Algorithms developed to predict the effect of missense changes on protein structure and function output the following: SIFT: "Tolerated"; PolyPhen-2: "Benign"; Align-GVGD: "Class C0". The valine amino acid residue is found in multiple mammalian species, suggesting that this missense change does not adversely affect protein function. These predictions have not been confirmed by published functional studies and their clinical significance is uncertain. This variant has not been reported in the literature in individuals with RP1-related conditions. This variant is not present in population databases (ExAC no frequency). This sequence change replaces isoleucine with valine at codon 2141 of the RP1 protein (p.Ile2141Val). The isoleucine residue is weakly conserved and there is a small physicochemical difference between isoleucine and valine.